The following is an entry in ClinVar:

ClinVar aggregate classification (germline): Uncertain significance (1 of 4 stars; one submission).

Conditions:
Fanconi anemia (FA). Also called: Fanconi's anemia. Identifiers: Orphanet 84, MedGen C0015625, MeSH D005199, MONDO:0019391.

Submission:

Labcorp Genetics (formerly Invitae), Labcorp
Classification: Uncertain significance for Fanconi anemia. Last evaluated: 2022-08-15. Review status: criteria provided, single submitter. Criteria: Invitae Variant Classification Sherloc (09022015). Collection method: clinical testing. Allele origin: germline.
Comment: In summary, the available evidence is currently insufficient to determine the role of this variant in disease. Therefore, it has been classified as a Variant of Uncertain Significance. Algorithms developed to predict the effect of missense changes on protein structure and function (SIFT, PolyPhen-2, Align-GVGD) all suggest that this variant is likely to be disruptive. This variant has not been reported in the literature in individuals affected with SLX4-related conditions. This variant is not present in population databases (gnomAD no frequency). This sequence change replaces leucine, which is neutral and non-polar, with proline, which is neutral and non-polar, at codon 1771 of the SLX4 protein (p.Leu1771Pro).

NM_032444.4(SLX4):c.5312T>C (p.Leu1771Pro)

Gene: SLX4 (SLX4 structure-specific endonuclease subunit; minus strand). Cytogenetic location: 16p13.3.
Variant type: single nucleotide variant.
Coding change: c.5312T>C on transcript NM_032444.4 (MANE Select); coding-DNA position 5312, T replaced by C.
Protein change: p.Leu1771Pro; replaces leucine 1771 with proline.
Molecular consequence: missense variant.
Genome position (GRCh38, 1-based): chr16:3,582,535, A>G on the plus strand (T>C on the coding strand, the complement: SLX4 is on the minus strand). VCF-style: chr16-3582535-A-G. GRCh37 (hg19) VCF-style: chr16-3632536-A-G.
Other names: short protein forms L1771P.
Identifiers: ClinVar variation 1716467 (VCV001716467.5), dbSNP rs2548206376, ClinGen allele CA394513758.